The following is an entry in ClinVar:

ClinVar aggregate classification (germline): Likely benign (1 of 4 stars; one submission).

Allele frequency attached by ClinVar (database versions not stated): ESP Exome Variant Server 0.00016; TOPMed 0.00019; ExAC 0.00034; gnomAD 0.00021; gnomAD exomes 0.00024.
gnomAD v4.1: 364 of 1,548,798 alleles (0.024%); highest among the groups gnomAD compares: Non-Finnish European, 0.024%; no homozygotes.

Submission:

CeGaT Center for Human Genetics Tuebingen
Classification: Likely benign. Last evaluated: 2023-02-01. Review status: criteria provided, single submitter. Criteria: CeGaT Center For Human Genetics Tuebingen Variant Classification Criteria Version 2. Collection method: clinical testing. Allele origin: germline. Affected: yes. Observed: 1 variant allele.
Comment: CAPN15: BP4, BP7

NM_005632.3(CAPN15):c.1374C>T (p.His458=)

Gene: CAPN15 (calpain 15; plus strand). Cytogenetic location: 16p13.3.
Variant type: single nucleotide variant.
Coding change: c.1374C>T on transcript NM_005632.3 (MANE Select); coding-DNA position 1374, C replaced by T.
Protein change: p.His458=; no amino-acid change (histidine 458 retained).
Molecular consequence: synonymous variant.
Genome position (GRCh38, 1-based): chr16:548,212, C>T. VCF-style: chr16-548212-C-T. GRCh37 (hg19) VCF-style: chr16-598212-C-T.
Identifiers: ClinVar variation 2645802 (VCV002645802.24), dbSNP rs370414323, ClinGen allele CA7778319.
Genomic context (GRCh38, chr16:548,212, plus strand): 5'-TCAGCTCCTGGTGGCCCAGCGGCGGGGGGCCGCGCCCCTGAGGCGCAGGGAGAGCATGCA[C>T]GTGGAGCAGCGGCGGCAGACAGACGAGGGCGAGGCCAAGGCACTCTGGGAGAACATCGTG-3'
Protein context (NP_005623.1, residues 448-468): AAPLRRRESM[His458=]VEQRRQTDEG